The following is an entry in ClinVar:

NM_032383.5(HPS3):c.918G>C (p.Leu306Phe)

Gene: HPS3 (HPS3 biogenesis of lysosomal organelles complex 2 subunit 1; plus strand). Cytogenetic location: 3q24.
Variant type: single nucleotide variant.
Coding change: c.918G>C on transcript NM_032383.5 (MANE Select); coding-DNA position 918, G replaced by C.
Protein change: p.Leu306Phe; replaces leucine 306 with phenylalanine.
Molecular consequence: missense variant.
Genome position (GRCh38, 1-based): chr3:149,141,328, G>C. VCF-style: chr3-149141328-G-C. GRCh37 (hg19) VCF-style: chr3-148859115-G-C.
Other names: c.423G>C, p.Leu141Phe (NM_001308258.2); short protein forms L306F, L141F.
Identifiers: ClinVar variation 2202234 (VCV002202234.1), dbSNP rs769503746, ClinGen allele CA2659938.

ClinVar aggregate classification (germline): Uncertain significance (1 of 4 stars; one submission).

Allele frequency attached by ClinVar (database versions not stated): ExAC 0.00003; TOPMed 0.00003; gnomAD 0.00005.
gnomAD v4.1: 61 of 1,611,708 alleles (0.0038%); highest among the groups gnomAD compares: Non-Finnish European, 0.0049%; no homozygotes.

Submission:

Labcorp Genetics (formerly Invitae), Labcorp
Classification: Uncertain significance. Last evaluated: 2021-08-31. Review status: criteria provided, single submitter. Criteria: Invitae Variant Classification Sherloc (09022015). Collection method: clinical testing. Allele origin: germline.
Comment: This sequence change replaces leucine with phenylalanine at codon 306 of the HPS3 protein (p.Leu306Phe). The leucine residue is moderately conserved and there is a small physicochemical difference between leucine and phenylalanine. This variant is present in population databases (rs769503746, ExAC 0.006%). This variant has not been reported in the literature in individuals affected with HPS3-related conditions. Algorithms developed to predict the effect of missense changes on protein structure and function output the following: SIFT: "Tolerated"; PolyPhen-2: "Benign"; Align-GVGD: "Class C0". The phenylalanine amino acid residue is found in multiple mammalian species, which suggests that this missense change does not adversely affect protein function. In summary, the available evidence is currently insufficient to determine the role of this variant in disease. Therefore, it has been classified as a Variant of Uncertain Significance.